The following is an entry in ClinVar:

NM_016122.3(CEP83):c.1049G>A (p.Gly350Glu)

Gene: CEP83 (centrosomal protein 83; minus strand). Cytogenetic location: 12q22.
Variant type: single nucleotide variant.
Coding change: c.1049G>A on transcript NM_016122.3 (MANE Select); coding-DNA position 1049, G replaced by A.
Protein change: p.Gly350Glu; replaces glycine 350 with glutamic acid.
Molecular consequence: missense variant. On other transcripts: non-coding transcript variant (1).
Genome position (GRCh38, 1-based): chr12:94,368,201, C>T on the plus strand (G>A on the coding strand, the complement: CEP83 is on the minus strand). VCF-style: chr12-94368201-C-T. GRCh37 (hg19) VCF-style: chr12-94761977-C-T.
Other names: c.1049G>A, p.Gly350Glu (NM_001042399.2, NM_001346457.2, NM_001368037.1 and 1 more transcripts); c.737G>A, p.Gly246Glu (NM_001346458.2, NM_001346459.2, NM_001368039.1 and 1 more transcripts); c.824G>A, p.Gly275Glu (NM_001368041.1); short protein forms G350E, G246E, G275E.
Identifiers: ClinVar variation 1956086 (VCV001956086.5), dbSNP rs534501043, ClinGen allele CA6721753.

ClinVar aggregate classification (germline): Uncertain significance (1 of 4 stars; one submission).

Conditions:
Nephronophthisis 18 (NPHP18). Identifiers: Orphanet 655, MedGen C3890591, MONDO:0014374, OMIM 615862.

Allele frequency attached by ClinVar (database versions not stated): ExAC 0.00001; gnomAD 0.00001; 1000 Genomes Project 0.00020; 1000 Genomes Project 30x 0.00031.
gnomAD v4.1: 1 of 1,607,442 alleles (0.000062%); highest among the groups gnomAD compares: Admixed American, 0.0017%; no homozygotes.

Submission:

Labcorp Genetics (formerly Invitae), Labcorp
Classification: Uncertain significance for Nephronophthisis 18. Last evaluated: 2023-11-27. Review status: criteria provided, single submitter. Criteria: Invitae Variant Classification Sherloc (09022015). Collection method: clinical testing. Allele origin: germline.
Comment: This sequence change replaces glycine, which is neutral and non-polar, with glutamic acid, which is acidic and polar, at codon 350 of the CEP83 protein (p.Gly350Glu). This variant is present in population databases (rs534501043, gnomAD 0.003%). This variant has not been reported in the literature in individuals affected with CEP83-related conditions. ClinVar contains an entry for this variant (Variation ID: 1956086). An algorithm developed to predict the effect of missense changes on protein structure and function (PolyPhen-2) suggests that this variant is likely to be tolerated. In summary, the available evidence is currently insufficient to determine the role of this variant in disease. Therefore, it has been classified as a Variant of Uncertain Significance.